The following is an entry in ClinVar:

NM_020738.4(KIDINS220):c.801+8A>G

Gene: KIDINS220 (kinase D interacting substrate 220; minus strand). Cytogenetic location: 2p25.1.
Variant type: single nucleotide variant.
Coding change: c.801+8A>G on transcript NM_020738.4 (MANE Select); 8 bases into the intron after coding-DNA position 801, A replaced by G.
Molecular consequence: intron variant.
Genome position (GRCh38, 1-based): chr2:8,802,922, T>C on the plus strand (A>G on the coding strand, the complement: KIDINS220 is on the minus strand). VCF-style: chr2-8802922-T-C. GRCh37 (hg19) VCF-style: chr2-8943052-T-C.
Other names: c.801+8A>G (NM_001348741.2, NM_001348738.2, NM_001348742.2 and 3 more transcripts); c.804+8A>G (NM_001348739.2, NM_001348740.2, NM_001348734.2 and 3 more transcripts); c.675+8A>G (NM_001348736.2).
Identifiers: ClinVar variation 3061549 (VCV003061549.4), dbSNP rs538773838, ClinGen allele CA1520348.

ClinVar aggregate classification (germline): Likely benign. Review status: criteria provided, single submitter (1 of 4 stars). 2 submissions from 2 submitters: Likely benign (1). 1 of the submissions does not count toward it. Last evaluated 2024-02-07.

Conditions:
KIDINS220-related disorder. Also called: KIDINS220-related condition.

Allele frequency attached by ClinVar (database versions not stated): gnomAD 0.00003; ExAC 0.00006; 1000 Genomes Project 30x 0.00016; 1000 Genomes Project 0.00020.
gnomAD v4.1: 30 of 1,611,810 alleles (0.0019%); highest among the groups gnomAD compares: South Asian, 0.028%; 1 homozygote.

Submissions (2):

Labcorp Genetics (formerly Invitae), Labcorp
Classification: Likely benign. Last evaluated: 2024-02-07. Review status: criteria provided, single submitter. Criteria: Invitae Variant Classification Sherloc (09022015). Collection method: clinical testing. Allele origin: germline.

PreventionGenetics, part of Exact Sciences
Classification: Likely benign for KIDINS220-related condition. Last evaluated: 2022-07-29. Review status: no assertion criteria provided. Collection method: clinical testing. Allele origin: germline. Not counted in ClinVar's aggregate classification.
Comment: This variant is classified as likely benign based on ACMG/AMP sequence variant interpretation guidelines (Richards et al. 2015 PMID: 25741868, with internal and published modifications).